The following is an entry in ClinVar:

ClinVar aggregate classification (germline): Benign (1 of 4 stars; one submission).

Conditions:
Hereditary diffuse gastric adenocarcinoma (HDGC). Also called: DIFFUSE GASTRIC AND LOBULAR BREAST CANCER SYNDROME. Identifiers: Orphanet 26106, MedGen C1708349, MONDO:0007648, OMIM 137215.

gnomAD v4.1: 1 of 1,614,162 alleles (0.000062%); highest among the groups gnomAD compares: South Asian, 0.0011%; no homozygotes.

Submission:

Myriad Genetics, Inc.
Classification: Benign for Hereditary diffuse gastric adenocarcinoma. Last evaluated: 2024-09-12. Review status: criteria provided, single submitter. Criteria: Myriad Autosomal Dominant, Autosomal Recessive and X-Linked Classification Criteria (2023). Collection method: clinical testing. Allele origin: unknown.
Comment: This variant is considered benign. This variant is a silent/synonymous amino acid change and it is not expected to impact splicing.

NM_004360.5(CDH1):c.189A>T (p.Arg63=)

Gene: CDH1 (cadherin 1; plus strand). Cytogenetic location: 16q22.1.
Variant type: single nucleotide variant.
Coding change: c.189A>T on transcript NM_004360.5 (MANE Select); coding-DNA position 189, A replaced by T.
Protein change: p.Arg63=; no amino-acid change (arginine 63 retained).
Molecular consequence: synonymous variant. On other transcripts: 5 prime UTR variant (2).
Genome position (GRCh38, 1-based): chr16:68,801,695, A>T. VCF-style: chr16-68801695-A-T. GRCh37 (hg19) VCF-style: chr16-68835598-A-T.
Other names: c.189A>T, p.Arg63= (NM_001317184.2); c.-1427A>T (NM_001317185.2); c.-1631A>T (NM_001317186.2).
Identifiers: ClinVar variation 3378895 (VCV003378895.1).